The following is an entry in ClinVar:

ClinVar aggregate classification (germline): Likely pathogenic. Review status: criteria provided, single submitter (1 of 4 stars). 2 submissions from 2 submitters: Likely pathogenic (1). 1 of the submissions does not count toward it. Last evaluated 2024-10-10.

Conditions:
Neurodevelopmental disorder. Identifiers: MedGen C1535926, MeSH D065886, MONDO:0700092.

Submissions (2):

Victorian Clinical Genetics Services, Murdoch Childrens Research Institute
Classification: Likely pathogenic for Neurodevelopmental disorder. Last evaluated: 2024-10-10. Review status: criteria provided, single submitter. Criteria: ACMG Guidelines, 2015. Collection method: clinical testing. Allele origin: germline. Inheritance: Autosomal dominant inheritance. Affected: yes.
Comment: Based on the classification scheme VCGS_Germline_v1.3.5, this variant is classified as Likely pathogenic. Following criteria are met: 0105 - The mechanism of disease for this gene is not clearly established. (I) 0107 - This gene is associated with autosomal dominant disease. (I) 0200 - Variant is predicted to result in a missense amino acid change from aspartic acid to histidine. (I) 0251 - This variant is heterozygous. (I) 0301 - Variant is absent from gnomAD (v2, v3 and v4). (SP) 0502 - Missense variant with conflicting in silico predictions and uninformative conservation. (I) 0603 - Missense variant in a region that is highly intolerant to missense variation (high constraint region in DECIPHER). (SP) 0704 - Another missense variant comparable to the one identified in this case has limited previous evidence for pathogenicity. p.(Asp126Val) has been reported de novo in an individual with an uncharacterised developmental disorder (PMID: 28135719). p.(Asp126Asn) has also been reported as a VUS (ClinVar). (SP) 0802 - This variant has moderate previous evidence of pathogenicity in an unrelated individual. This variant has been reported de novo in an individual with severe developmental delay, absent speech, pyramidal signs and limb ataxia (PMID: 36336956). (SP) 0905 - No published segregation evidence has been identified for this variant. (I) 1002 - This variant has moderate functional evidence supporting abnormal protein function. The equivalent variant introduced into the nematode C.elegans resulted in impaired locomotion suggested to be caused by synaptic abnormalities rather than muscle dysfunction (PMID: 36336956). (SP) Legend: (SP) - Supporting pathogenic, (I) - Information, (SB) - Supporting benign

OMIM
Classification: Uncertain significance for VARIANT OF UNKNOWN SIGNIFICANCE. Last evaluated: 2023-06-06. Review status: no assertion criteria provided. Collection method: literature only. Allele origin: germline. Not counted in ClinVar's aggregate classification.

Literature cited by the submitters: PubMed 28135719 (cited by Victorian Clinical Genetics Services, Murdoch Childrens Research Institute); PubMed 36336956 (cited by Victorian Clinical Genetics Services, Murdoch Childrens Research Institute and OMIM).

NM_020177.3(FEM1C):c.376G>C (p.Asp126His)

Gene: FEM1C (fem-1 homolog C; minus strand). Cytogenetic location: 5q22.3.
Variant type: single nucleotide variant.
Coding change: c.376G>C on transcript NM_020177.3 (MANE Select); coding-DNA position 376, G replaced by C.
Protein change: p.Asp126His; replaces aspartic acid 126 with histidine.
Molecular consequence: missense variant.
Genome position (GRCh38, 1-based): chr5:115,543,118, C>G on the plus strand (G>C on the coding strand, the complement: FEM1C is on the minus strand). VCF-style: chr5-115543118-C-G. GRCh37 (hg19) VCF-style: chr5-114878815-C-G.
Other names: c.376G>C (NM_020177.2); short protein forms D126H.
Identifiers: ClinVar variation 2504571 (VCV002504571.2), dbSNP rs2531722094, ClinGen allele CA360710322.